The following is an entry in ClinVar:

ClinVar aggregate classification (germline): Uncertain significance (1 of 4 stars; one submission).

Conditions:
GLUT1 deficiency syndrome 1, autosomal recessive. Identifiers: MedGen C3149117.

Submission:

Labcorp Genetics (formerly Invitae), Labcorp
Classification: Uncertain significance for GLUT1 deficiency syndrome 1, autosomal recessive. Last evaluated: 2023-03-23. Review status: criteria provided, single submitter. Criteria: Invitae Variant Classification Sherloc (09022015). Collection method: clinical testing. Allele origin: germline.
Comment: Advanced modeling of protein sequence and biophysical properties (such as structural, functional, and spatial information, amino acid conservation, physicochemical variation, residue mobility, and thermodynamic stability) has been performed at Invitae for this missense variant, however the output from this modeling did not meet the statistical confidence thresholds required to predict the impact of this variant on SLC2A1 protein function. In summary, the available evidence is currently insufficient to determine the role of this variant in disease. Therefore, it has been classified as a Variant of Uncertain Significance. This variant has not been reported in the literature in individuals affected with SLC2A1-related conditions. This sequence change replaces threonine, which is neutral and polar, with asparagine, which is neutral and polar, at codon 258 of the SLC2A1 protein (p.Thr258Asn). This variant is not present in population databases (gnomAD no frequency).

NM_006516.4(SLC2A1):c.773C>A (p.Thr258Asn)

Gene: SLC2A1 (solute carrier family 2 member 1; minus strand). Cytogenetic location: 1p34.2.
Variant type: single nucleotide variant.
Coding change: c.773C>A on transcript NM_006516.4 (MANE Select); coding-DNA position 773, C replaced by A.
Protein change: p.Thr258Asn; replaces threonine 258 with asparagine.
Molecular consequence: missense variant.
Genome position (GRCh38, 1-based): chr1:42,929,687, G>T on the plus strand (C>A on the coding strand, the complement: SLC2A1 is on the minus strand). VCF-style: chr1-42929687-G-T. GRCh37 (hg19) VCF-style: chr1-43395358-G-T.
Other names: short protein forms T258N.
Identifiers: ClinVar variation 2828934 (VCV002828934.3), dbSNP rs2524992353, ClinGen allele CA339957838.
Genomic context (GRCh38, chr1:42,929,687, plus strand): 5'-AGCACCACAGCGATGAGGATGGGCTGGCGGTAGGCGGGGGAGCGGAACAGCTCCAGGATG[G>T]TGACCTTCTTCTCCCGCATCATCTGCCGACTCTCTTCCTTCATCTCCTGCAGGTCATGGG-3'
Protein context (NP_006507.2, residues 248-268): SRQMMREKKV[Thr258Asn]ILELFRSPAY